The following is an entry in ClinVar:

ClinVar aggregate classification (germline): Uncertain significance. Review status: criteria provided, multiple submitters, no conflicts (2 of 4 stars). 2 submissions from 2 submitters: Uncertain significance (2). Last evaluated 2025-09-03.

Conditions:
Pitt-Hopkins syndrome (PTHS). Also called: ENCEPHALOPATHY, SEVERE EPILEPTIC, WITH AUTONOMIC DYSFUNCTION; MENTAL RETARDATION, SYNDROMAL, WITH INTERMITTENT HYPERVENTILATION. Identifiers: Orphanet 2896, MedGen C1970431, MONDO:0012589, OMIM 610954.

Allele frequency attached by ClinVar (database versions not stated): gnomAD exomes below 0.00001.
gnomAD v4.1: 1 of 1,614,200 alleles (0.000062%); highest among the groups gnomAD compares: Non-Finnish European, 0.000085%; no homozygotes.

Submissions (2):

Labcorp Genetics (formerly Invitae), Labcorp
Classification: Uncertain significance for Pitt-Hopkins syndrome. Last evaluated: 2025-09-03. Review status: criteria provided, single submitter. Criteria: Invitae Variant Classification Sherloc (09022015). Collection method: clinical testing. Allele origin: germline.
Comment: This sequence change replaces histidine, which is basic and polar, with arginine, which is basic and polar, at codon 667 of the TCF4 protein (p.His667Arg). This variant is not present in population databases (gnomAD no frequency). This variant has not been reported in the literature in individuals affected with TCF4-related conditions. ClinVar contains an entry for this variant (Variation ID: 444433). Invitae Evidence Modeling of protein sequence and biophysical properties (such as structural, functional, and spatial information, amino acid conservation, physicochemical variation, residue mobility, and thermodynamic stability) indicates that this missense variant is not expected to disrupt TCF4 protein function with a negative predictive value of 80%. In summary, the available evidence is currently insufficient to determine the role of this variant in disease. Therefore, it has been classified as a Variant of Uncertain Significance.

CeGaT Center for Human Genetics Tuebingen
Classification: Uncertain significance. Last evaluated: 2017-07-01. Review status: criteria provided, single submitter. Criteria: CeGaT Center For Human Genetics Tuebingen Variant Classification Criteria Version 2. Collection method: clinical testing. Allele origin: germline. Affected: yes. Observed: 1 variant allele.

NM_001083962.2(TCF4):c.2000A>G (p.His667Arg)

Gene: TCF4 (transcription factor 4; minus strand). Cytogenetic location: 18q21.2.
Variant type: single nucleotide variant.
Coding change: c.2000A>G on transcript NM_001083962.2 (MANE Select); coding-DNA position 2000, A replaced by G.
Protein change: p.His667Arg; replaces histidine 667 with arginine.
Molecular consequence: missense variant.
Genome position (GRCh38, 1-based): chr18:55,228,241, T>C on the plus strand (A>G on the coding strand, the complement: TCF4 is on the minus strand). VCF-style: chr18-55228241-T-C. GRCh37 (hg19) VCF-style: chr18-52895472-T-C.
Other names: c.1508A>G, p.His503Arg (NM_001243235.2, NM_001243236.2); c.1916A>G, p.His639Arg (NM_001306207.1, NM_001369582.1, NM_001369583.1 and 1 more transcripts); c.1775A>G, p.His592Arg (NM_001306208.1); c.1997A>G, p.His666Arg (NM_001330604.3, NM_001369570.1, NM_001369569.1); c.1610A>G, p.His537Arg (NM_001330605.3, NM_001348213.2); c.1874A>G, p.His625Arg (NM_001348211.2); c.1598A>G, p.His533Arg (NM_001348212.2, NM_001243233.2); c.1988A>G, p.His663Arg (NM_001369571.1, NM_001369572.1, NM_003199.3); and 14 more; short protein forms H667R, H503R, H507R, H642R, H644R, H502R, H537R, H592R.
Identifiers: ClinVar variation 444433 (VCV000444433.44), dbSNP rs1555707461, ClinGen allele CA402527564.